The following is an entry in ClinVar:

NM_030930.4(UNC93B1):c.155A>G (p.Tyr52Cys)

Genes: UNC93B1 (unc-93B1 regulator of TLR signaling; minus strand), LOC130006235 (ATAC-STARR-seq lymphoblastoid silent region 3653; plus strand). Cytogenetic location: 11q13.2.
Variant type: single nucleotide variant.
Coding change: c.155A>G on transcript NM_030930.4 (MANE Select); coding-DNA position 155, A replaced by G.
Protein change: p.Tyr52Cys; replaces tyrosine 52 with cysteine.
Molecular consequence: missense variant.
Genome position (GRCh38, 1-based): chr11:68,003,740, T>C on the plus strand (A>G on the coding strand, the complement: UNC93B1 is on the minus strand). VCF-style: chr11-68003740-T-C. GRCh37 (hg19) VCF-style: chr11-67771210-T-C.
Other names: short protein forms Y52C.
Identifiers: ClinVar variation 1481553 (VCV001481553.6), dbSNP rs1314833955, ClinGen allele CA381579220.

ClinVar aggregate classification (germline): Uncertain significance (1 of 4 stars; one submission).

Conditions:
Encephalopathy, acute, infection-induced (herpes-specific), susceptibility to, 1. Also called: Herpes simplex encephalitis, susceptibility to, 1. Identifiers: Orphanet 1930, MedGen C2750180, MONDO:0024563, OMIM 610551.

Submission:

Labcorp Genetics (formerly Invitae), Labcorp
Classification: Uncertain significance for Encephalopathy, acute, infection-induced (herpes-specific), susceptibility to, 1. Last evaluated: 2022-06-03. Review status: criteria provided, single submitter. Criteria: Invitae Variant Classification Sherloc (09022015). Collection method: clinical testing. Allele origin: germline.
Comment: This sequence change replaces tyrosine, which is neutral and polar, with cysteine, which is neutral and slightly polar, at codon 52 of the UNC93B1 protein (p.Tyr52Cys). This variant is not present in population databases (gnomAD no frequency). This variant has not been reported in the literature in individuals affected with UNC93B1-related conditions. ClinVar contains an entry for this variant (Variation ID: 1481553). Experimental studies and prediction algorithms are not available or were not evaluated, and the functional significance of this variant is currently unknown. In summary, the available evidence is currently insufficient to determine the role of this variant in disease. Therefore, it has been classified as a Variant of Uncertain Significance.